The following is an entry in ClinVar:

NM_001903.5(CTNNA1):c.2702A>C (p.Lys901Thr)

Gene: CTNNA1 (catenin alpha 1; plus strand). Cytogenetic location: 5q31.2.
Variant type: single nucleotide variant.
Coding change: c.2702A>C on transcript NM_001903.5 (MANE Select); coding-DNA position 2702, A replaced by C.
Protein change: p.Lys901Thr; replaces lysine 901 with threonine.
Molecular consequence: missense variant. On other transcripts: 3 prime UTR variant (5).
Genome position (GRCh38, 1-based): chr5:138,934,070, A>C. VCF-style: chr5-138934070-A-C. GRCh37 (hg19) VCF-style: chr5-138269759-A-C.
Other names: c.*247A>C (NM_001290307.3, NM_001324002.1, NM_001324003.1 and 2 more transcripts); c.2393A>C, p.Lys798Thr (NM_001290309.3); c.2333A>C, p.Lys778Thr (NM_001290310.3); c.1592A>C, p.Lys531Thr (NM_001290312.1, NM_001323987.1, NM_001323988.1 and 12 more transcripts); c.2702A>C, p.Lys901Thr (NM_001323982.2, NM_001323983.1, NM_001323984.2); c.2675A>C, p.Lys892Thr (NM_001323985.2); c.2609A>C, p.Lys870Thr (NM_001323986.2); c.1457A>C, p.Lys486Thr (NM_001324001.1); and 3 more; short protein forms K418T, K450T, K486T, K500T, K531T, K778T, K798T, K870T.
Identifiers: ClinVar variation 3221909 (VCV003221909.1), dbSNP rs1766025064, ClinGen allele CA361135808.

ClinVar aggregate classification (germline): Uncertain significance (1 of 4 stars; one submission).

Conditions:
Hereditary cancer-predisposing syndrome. Also called: Tumor predisposition; Hereditary neoplastic syndrome; Hereditary Cancer Syndrome; Neoplastic Syndromes, Hereditary. Identifiers: Orphanet 140162, MedGen C0027672, MeSH D009386, MONDO:0015356.

Submission:

Ambry Genetics
Classification: Uncertain significance for Hereditary cancer-predisposing syndrome. Last evaluated: 2023-02-23. Review status: criteria provided, single submitter. Criteria: Ambry Variant Classification Scheme 2023. Collection method: clinical testing. Allele origin: germline.
Comment: The p.K901T variant (also known as c.2702A>C), located in coding exon 17 of the CTNNA1 gene, results from an A to C substitution at nucleotide position 2702. The lysine at codon 901 is replaced by threonine, an amino acid with similar properties. This amino acid position is conserved. In addition, the in silico prediction for this alteration is inconclusive. Since supporting evidence is limited at this time, the clinical significance of this alteration remains unclear.